The following is an entry in ClinVar:

ClinVar aggregate classification (germline): Uncertain significance (1 of 4 stars; one submission).

Conditions:
Cornelia de Lange syndrome 5 (CDLS5). Also called: HDAC8-Related Cornelia de Lange Syndrome. Identifiers: Orphanet 199, MedGen C3550903, MONDO:0010471, OMIM 300882.

Submission:

Labcorp Genetics (formerly Invitae), Labcorp
Classification: Uncertain significance for Cornelia de Lange syndrome 5. Last evaluated: 2023-05-20. Review status: criteria provided, single submitter. Criteria: Invitae Variant Classification Sherloc (09022015). Collection method: clinical testing. Allele origin: germline.
Comment: In summary, the available evidence is currently insufficient to determine the role of this variant in disease. Therefore, it has been classified as a Variant of Uncertain Significance. Advanced modeling of protein sequence and biophysical properties (such as structural, functional, and spatial information, amino acid conservation, physicochemical variation, residue mobility, and thermodynamic stability) performed at Invitae indicates that this missense variant is expected to disrupt HDAC8 protein function. This variant has not been reported in the literature in individuals affected with HDAC8-related conditions. This variant is not present in population databases (gnomAD no frequency). This sequence change replaces threonine, which is neutral and polar, with asparagine, which is neutral and polar, at codon 197 of the HDAC8 protein (p.Thr197Asn).

NM_018486.3(HDAC8):c.590C>A (p.Thr197Asn)

Gene: HDAC8 (histone deacetylase 8; minus strand). Cytogenetic location: Xq13.1.
Variant type: single nucleotide variant.
Coding change: c.590C>A on transcript NM_018486.3 (MANE Select); coding-DNA position 590, C replaced by A.
Protein change: p.Thr197Asn; replaces threonine 197 with asparagine.
Molecular consequence: missense variant. On other transcripts: non-coding transcript variant (1), intron variant (3).
Genome position (GRCh38, 1-based): chrX:72,490,967, G>T on the plus strand (C>A on the coding strand, the complement: HDAC8 is on the minus strand). VCF-style: chrX-72490967-G-T. GRCh37 (hg19) VCF-style: chrX-71710817-G-T.
Other names: c.317C>A, p.Thr106Asn (NM_001166418.2, NM_001410728.1); c.590C>A, p.Thr197Asn (NM_001166419.2, NM_001410725.1, NM_001410729.1); c.551-1926C>A (NM_001410727.1, NM_001410730.1); c.278-1926C>A (NM_001166448.2); short protein forms T106N, T197N.
Identifiers: ClinVar variation 2866167 (VCV002866167.3), dbSNP rs2521126904, ClinGen allele CA413639496.